The following is an entry in ClinVar:

NM_001166108.2(PALLD):c.1965-13000G>C

Gene: PALLD (palladin, cytoskeletal associated protein; plus strand). Cytogenetic location: 4q32.3.
Variant type: single nucleotide variant.
Coding change: c.1965-13000G>C on transcript NM_001166108.2 (MANE Select); 13000 bases into the intron before coding-DNA position 1965, G replaced by C.
Molecular consequence: intron variant. On other transcripts: missense variant (1).
Genome position (GRCh38, 1-based): chr4:168,877,922, G>C. VCF-style: chr4-168877922-G-C. GRCh37 (hg19) VCF-style: chr4-169799073-G-C.
Other names: c.31G>C, p.Ala11Pro (NM_001166110.2); c.1965-13000G>C (NM_016081.4); c.819-13000G>C (NM_001166109.2); c.-157-13000G>C (NM_001367570.1, NM_001367568.1, NM_001367567.1 and 1 more transcripts); short protein forms A11P.
Identifiers: ClinVar variation 1409556 (VCV001409556.7), dbSNP rs370602081, ClinGen allele CA358794717.

ClinVar aggregate classification (germline): Uncertain significance. Review status: criteria provided, multiple submitters, no conflicts (2 of 4 stars). 2 submissions from 2 submitters: Uncertain significance (2). Last evaluated 2021-11-15.

Conditions:
Pancreatic adenocarcinoma. Identifiers: MedGen C0281361, MONDO:0006047, HP:0006725.

Submissions (2):

Labcorp Genetics (formerly Invitae), Labcorp
Classification: Uncertain significance for Pancreatic adenocarcinoma. Last evaluated: 2021-11-15. Review status: criteria provided, single submitter. Criteria: Invitae Variant Classification Sherloc (09022015). Collection method: clinical testing. Allele origin: germline.
Comment: This sequence change replaces alanine, which is neutral and non-polar, with proline, which is neutral and non-polar, at codon 11 of the PALLD protein (p.Ala11Pro). In summary, the available evidence is currently insufficient to determine the role of this variant in disease. Therefore, it has been classified as a Variant of Uncertain Significance. Algorithms developed to predict the effect of missense changes on protein structure and function are either unavailable or do not agree on the potential impact of this missense change (SIFT: "Tolerated"; PolyPhen-2: "Possibly Damaging"; Align-GVGD: "Class C0"). This variant has not been reported in the literature in individuals affected with PALLD-related conditions. This variant is not present in population databases (gnomAD no frequency).

Breakthrough Genomics
Classification: Uncertain significance. Review status: criteria provided, single submitter. Criteria: ACMG Guidelines, 2015. Collection method: not provided. Allele origin: germline. Inheritance: Autosomal dominant inheritance. Affected: yes.